The following is an entry in ClinVar:

NM_001127671.2(LIFR):c.2179dup (p.Ala727fs)

Gene: LIFR (LIF receptor subunit alpha; minus strand). Cytogenetic location: 5p13.1.
Variant type: Duplication.
Coding change: c.2179dup on transcript NM_001127671.2 (MANE Select); coding-DNA position 2179, one base duplicated (G; older notation c.2179dupG).
Protein change: p.Ala727fs; shifts the reading frame from alanine 727.
Molecular consequence: frameshift variant.
Genome position (GRCh38, 1-based): chr5:38,489,234, C duplicated on the plus strand (G on the coding strand, the reverse complement: LIFR is on the minus strand). VCF-style (leftmost placement, unchanged base first): chr5-38489233-G-GC. GRCh37 (hg19) VCF-style: chr5-38489335-G-GC.
Other names: c.2179dup, p.Ala727fs (NM_001364297.2, NM_001364298.2, NM_002310.6); short protein forms A727fs.
Identifiers: ClinVar variation 4815022 (VCV004815022.1).

ClinVar aggregate classification (germline): Likely pathogenic (1 of 4 stars; one submission).

Conditions:
Stuve-Wiedemann syndrome (STWS). Also called: Stüve-Wiedemann syndrome. Identifiers: Orphanet 3206, MedGen C0796176, MONDO:0031280.

Submission:

Natera, Inc.
Classification: Likely pathogenic for Stuve-Wiedemann syndrome. Last evaluated: 2026-01-20. Review status: criteria provided, single submitter. Criteria: Natera Variant Classification Schema (03/2026). Collection method: clinical testing. Allele origin: germline.
Comment: The c.2179dup variant in LIFR is a frameshift variant predicted to shift the reading frame beginning at codon 727 and leads to a stop codon 7 codons downstream. This variant is expected to result in nonsense mediated decay, truncation, or a dysfunctional protein product. This variant is rare in the general population with a frequency below the threshold expected for the associated phenotype(s). Given the available evidence, this variant is classified as Likely Pathogenic.